The following is an entry in ClinVar:

ClinVar aggregate classification (germline): Uncertain significance (1 of 4 stars; one submission).

gnomAD v4.1: 2 of 1,482,340 alleles (0.00013%); highest among the groups gnomAD compares: South Asian, 0.0025%; no homozygotes.

Submission:

Ambry Genetics
Classification: Uncertain significance. Last evaluated: 2025-06-24. Review status: criteria provided, single submitter. Criteria: Ambry Variant Classification Scheme 2023. Collection method: clinical testing. Allele origin: germline.
Comment: The p.M54V variant (also known as c.160A>G), located in coding exon 1 of the PALLD gene, results from an A to G substitution at nucleotide position 160. The methionine at codon 54 is replaced by valine, an amino acid with highly similar properties. This amino acid position is conserved. In addition, this alteration is predicted to be tolerated by in silico analysis. Based on the available evidence, the clinical significance of this variant remains unclear.

NM_001166108.2(PALLD):c.1965-12871A>G

Gene: PALLD (palladin, cytoskeletal associated protein; plus strand). Cytogenetic location: 4q32.3.
Variant type: single nucleotide variant.
Coding change: c.1965-12871A>G on transcript NM_001166108.2 (MANE Select); 12871 bases into the intron before coding-DNA position 1965, A replaced by G.
Molecular consequence: intron variant. On other transcripts: missense variant (1).
Genome position (GRCh38, 1-based): chr4:168,878,051, A>G. VCF-style: chr4-168878051-A-G. GRCh37 (hg19) VCF-style: chr4-169799202-A-G.
Other names: c.160A>G, p.Met54Val (NM_001166110.2); c.1965-12871A>G (NM_016081.4); c.819-12871A>G (NM_001166109.2); c.-157-12871A>G (NM_001367570.1, NM_001367568.1, NM_001367567.1 and 1 more transcripts); short protein forms M54V.
Identifiers: ClinVar variation 4130393 (VCV004130393.1).